The following is an entry in ClinVar:

ClinVar aggregate classification (germline): Uncertain significance. Review status: criteria provided, single submitter (1 of 4 stars). 2 submissions from 2 submitters: Uncertain significance (1). 1 of the submissions does not count toward it. Last evaluated 2026-01-21.

Conditions:
Ehlers-Danlos syndrome, dermatosparaxis type. Also called: Dermatosparaxis; EDS VIIC; Ehlers-Danlos syndrome, type VII, autosomal recessive. Identifiers: Orphanet 1901, MedGen C2700425, MONDO:0009161, OMIM 225410.

Allele frequency attached by ClinVar (database versions not stated): gnomAD exomes 0.00001; gnomAD 0.00002; TOPMed 0.00002; ExAC 0.00003.
gnomAD v4.1: 92 of 1,608,568 alleles (0.0057%); highest among the groups gnomAD compares: Non-Finnish European, 0.0075%; no homozygotes.

Submissions (2):

Labcorp Genetics (formerly Invitae), Labcorp
Classification: Uncertain significance for Ehlers-Danlos syndrome, dermatosparaxis type. Last evaluated: 2026-01-21. Review status: criteria provided, single submitter. Criteria: Invitae Variant Classification Sherloc (09022015). Collection method: clinical testing. Allele origin: germline.
Comment: This sequence change replaces alanine, which is neutral and non-polar, with threonine, which is neutral and polar, at codon 962 of the ADAMTS2 protein (p.Ala962Thr). This variant is present in population databases (rs773669935, gnomAD 0.003%). This variant has not been reported in the literature in individuals affected with ADAMTS2-related conditions. ClinVar contains an entry for this variant (Variation ID: 967624). An algorithm developed to predict the effect of missense changes on protein structure and function (PolyPhen-2) suggests that this variant is likely to be tolerated. In summary, the available evidence is currently insufficient to determine the role of this variant in disease. Therefore, it has been classified as a Variant of Uncertain Significance.

Natera, Inc.
Classification: Uncertain significance for Ehlers-Danlos syndrome type VIIC. Last evaluated: 2020-10-14. Review status: no assertion criteria provided. Collection method: clinical testing. Allele origin: germline. Not counted in ClinVar's aggregate classification.

NM_014244.5(ADAMTS2):c.2884G>A (p.Ala962Thr)

Gene: ADAMTS2 (ADAM metallopeptidase with thrombospondin type 1 motif 2; minus strand). Cytogenetic location: 5q35.3.
Variant type: single nucleotide variant.
Coding change: c.2884G>A on transcript NM_014244.5 (MANE Select); coding-DNA position 2884, G replaced by A.
Protein change: p.Ala962Thr; replaces alanine 962 with threonine.
Molecular consequence: missense variant.
Genome position (GRCh38, 1-based): chr5:179,125,047, C>T on the plus strand (G>A on the coding strand, the complement: ADAMTS2 is on the minus strand). VCF-style: chr5-179125047-C-T. GRCh37 (hg19) VCF-style: chr5-178552048-C-T.
Other names: short protein forms A962T.
Identifiers: ClinVar variation 967624 (VCV000967624.12), dbSNP rs773669935, ClinGen allele CA3595386.